The following is an entry in ClinVar:

NM_001376.5(DYNC1H1):c.1700G>A (p.Arg567His)

Gene: DYNC1H1 (dynein cytoplasmic 1 heavy chain 1; plus strand). Cytogenetic location: 14q32.31.
Variant type: single nucleotide variant.
Coding change: c.1700G>A on transcript NM_001376.5 (MANE Select); coding-DNA position 1700, G replaced by A.
Protein change: p.Arg567His; replaces arginine 567 with histidine.
Molecular consequence: missense variant.
Genome position (GRCh38, 1-based): chr14:101,985,925, G>A. VCF-style: chr14-101985925-G-A. GRCh37 (hg19) VCF-style: chr14-102452262-G-A.
Other names: short protein forms R567H.
Identifiers: ClinVar variation 157534 (VCV000157534.4), dbSNP rs587781253, ClinGen allele CA270950.
Genomic context (GRCh38, chr14:101,985,925, plus strand): 5'-AGGCTGCTATGAAGAGGTACGATGAGAGGATCGACAGAGTGGAGACCCGGATCACCGCTC[G>A]CCTTCGGGATCAGCTTGGCACAGCCAAGAATGCCAACGAGATGTTTAGGATTTTCTCCAG-3'
Protein context (NP_001367.2, residues 557-577): IDRVETRITA[Arg567His]LRDQLGTAKN

ClinVar aggregate classification (germline): Uncertain significance. Review status: criteria provided, single submitter (1 of 4 stars). 3 submissions from 3 submitters: Uncertain significance (1). 2 of the submissions do not count toward it. Last evaluated 2024-08-15.

Conditions:
Charcot-Marie-Tooth disease. Also called: Charcot-Marie-Tooth Hereditary Neuropathy; Charcot-Marie-Tooth Neuropathy. Identifiers: Orphanet 166, MedGen C0007959, MONDO:0015626.
Charcot-Marie-Tooth disease axonal type 2O. Also called: CHARCOT-MARIE-TOOTH DISEASE, AXONAL, AUTOSOMAL DOMINANT, TYPE 2O; CHARCOT-MARIE-TOOTH NEUROPATHY, AXONAL, TYPE 2O; Charcot-Marie-Tooth disease, axonal, type 20; Charcot-Marie-Tooth Neuropathy Type 2O. Identifiers: Orphanet 284232, MedGen C3280220, MONDO:0013644, OMIM 614228.

Allele frequency attached by ClinVar (database versions not stated): gnomAD exomes below 0.00001 and 0.00001; ExAC 0.00001.
gnomAD v4.1: 12 of 1,614,212 alleles (0.00074%); highest among the groups gnomAD compares: Non-Finnish European, 0.001%; no homozygotes.

Submissions (3):

Blueprint Genetics
Classification: Uncertain significance. Last evaluated: 2024-08-15. Review status: criteria provided, single submitter. Criteria: ACMG Guidelines, 2015. Collection method: clinical testing. Allele origin: germline.

Inherited Neuropathy Consortium Ii, University Of Miami
Classification: Uncertain significance for Charcot-Marie-Tooth disease axonal type 2O. Last evaluated: 2016-01-06. Review status: no assertion criteria provided. Collection method: literature only. Allele origin: germline. Affected: yes. Not counted in ClinVar's aggregate classification.

Dept. of Medical Genetics, Telemark Hospital Trust, Telemark Hospital Trust
Classification: Likely pathogenic for Charcot-Marie-Tooth disease. Last evaluated: 2013-11-01. Review status: no assertion criteria provided. Collection method: research. Allele origin: unknown. Affected: yes. Study: Charcot-Marie-Tooth disease study. Not counted in ClinVar's aggregate classification.
Comment: Populational based study of Charcot-Marie-Tooth disease in Norway

Literature cited by the submitters: PubMed 25025039 (cited by Inherited Neuropathy Consortium Ii, University Of Miami and Dept. of Medical Genetics, Telemark Hospital Trust, Telemark Hospital Trust); PMC 4306395 (cited by Dept. of Medical Genetics, Telemark Hospital Trust, Telemark Hospital Trust).